The following is an entry in ClinVar:

ClinVar aggregate classification (germline): Pathogenic. Review status: criteria provided, multiple submitters, no conflicts (2 of 4 stars). 6 submissions from 6 submitters: Pathogenic (5). 1 of the submissions does not count toward it. Last evaluated 2024-02-16.

Conditions:
Epidermolytic hyperkeratosis 1 (EHK1). Also called: BULLOUS ERYTHRODERMA ICHTHYOSIFORMIS CONGENITA OF BROCQ; BULLOUS CONGENITAL ICHTHYOSIFORM ERYTHRODERMA. Identifiers: MedGen C5781874, MONDO:0700249, OMIM 113800.

Submissions (6):

3billion
Classification: Pathogenic for Epidermolytic hyperkeratosis 1. Last evaluated: 2024-02-16. Review status: criteria provided, single submitter. Criteria: ACMG Guidelines, 2015. Collection method: clinical testing. Allele origin: germline. Affected: yes.
Comment: The variant is not observed in the gnomAD v2.1.1 dataset. Predicted Consequence/Location: The variant is located in a mutational hot spot and/or well-established functional domain in which established pathogenic variants have been reported. In silico tool predictions suggest damaging effect of the variant on gene or gene product [REVEL: 0.89 (>=0.6, sensitivity 0.68 and specificity 0.92); 3Cnet: 0.75 (>=0.6, sensitivity 0.72 and precision 0.9)]. Same nucleotide change resulting in same amino acid change has been previously reported as pathogenic/likely pathogenic with strong evidence (ClinVar ID: VCV000066648 /PMID: 16361731). A different missense change at the same codon (p.Leu187Pro) has been reported to be associated with KRT1-related disorder (ClinVar ID: VCV002664090 /PMID: 30288772). Therefore, this variant is classified as Pathogenic according to the recommendation of ACMG/AMP guideline.

Labcorp Genetics (formerly Invitae), Labcorp
Classification: Pathogenic. Last evaluated: 2022-05-07. Review status: criteria provided, single submitter. Criteria: Invitae Variant Classification Sherloc (09022015). Collection method: clinical testing. Allele origin: germline.
Comment: This sequence change replaces leucine, which is neutral and non-polar, with phenylalanine, which is neutral and non-polar, at codon 187 of the KRT1 protein (p.Leu187Phe). This variant is not present in population databases (gnomAD no frequency). This missense change has been observed in individual(s) with KRT1-related epidermolytic ichthyosis (PMID: 16361731, 17101470). In at least one individual the variant was observed to be de novo. ClinVar contains an entry for this variant (Variation ID: 66648). Advanced modeling of protein sequence and biophysical properties (such as structural, functional, and spatial information, amino acid conservation, physicochemical variation, residue mobility, and thermodynamic stability) performed at Invitae indicates that this missense variant is expected to disrupt KRT1 protein function. For these reasons, this variant has been classified as Pathogenic.

Athena Diagnostics
Classification: Pathogenic. Last evaluated: 2020-10-29. Review status: criteria provided, single submitter. Criteria: Athena Diagnostics Criteria. Collection method: clinical testing. Allele origin: unknown.
Comment: This variant has not been reported in large, multi-ethnic general populations. Computational tools yielded predictions that this amino acid change may be damaging to the protein. This observation is not an independent occurrence and has been identified in the same individual by RCIGM, the other laboratory participating in the GEMINI study.

CeGaT Center for Human Genetics Tuebingen
Classification: Pathogenic. Last evaluated: 2018-05-01. Review status: criteria provided, single submitter. Criteria: CeGaT Center For Human Genetics Tuebingen Variant Classification Criteria Version 2. Collection method: clinical testing. Allele origin: germline. Affected: yes. Observed: 1 variant allele.

GeneDx
Classification: Pathogenic. Last evaluated: 2016-03-10. Review status: criteria provided, single submitter. Criteria: GeneDx Variant Classification (06012015). Collection method: clinical testing. Allele origin: germline. Affected: yes.
Comment: The L187F variant in the KRT1 gene has been reported previously as a de novo variant in patients with epidermolytic hyperkeratosis (EHK) (Uezato et al., 2005; Math et al., 2006). It was not observed in approximately 6,500 individuals of European and African American ancestry in the NHLBI Exome Sequencing Project, indicating it is not a common benign variant in these populations. This substitution occurs within a known mutational hotspot region (helix initiation motif) that is highly conserved across all species and among all members of the keratin family. Many other pathogenic variants in patients with epidermolytic ichthyosis have been reported in nearby residues (E182K, S186P, N188S, N188T) according to the Human Gene Mutation Database (Stenson et al., 2014). It is well established that keratin gene mutations affecting the residues at the ends of the central rod domains of the keratin proteins (helix initiation and termination motifs) interfere with proper keratin intermediate filament assembly and function, resulting in skin fragility and/or hyperkeratosis (Chamcheu et al., 2011). Therefore, L187F is considered to be pathogenic and its presence in this child is consistent with a diagnosis of epidermolytic ichthyosis (EI, also known as epidermolytic hyperkeratosis or EHK). Of note, epidermolytic ichthyosis in most patients with a pathogenic KRT1 variant also involves the skin of palms and soles (palmoplantar keratoderma).

Epithelial Biology;  Institute of Medical Biology, Singapore
No classification provided. Review status: no classification provided. Collection method: not provided. Allele origin: not provided. Not counted in ClinVar's aggregate classification.

Literature cited by the submitters: PubMed 16361731 (cited by 3billion and Labcorp Genetics (formerly Invitae), Labcorp); PubMed 30288772 (cited by 3billion); PubMed 17101470 (cited by Labcorp Genetics (formerly Invitae), Labcorp).

NM_006121.4(KRT1):c.559C>T (p.Leu187Phe)

Gene: KRT1 (keratin 1; minus strand). Cytogenetic location: 12q13.13.
Variant type: single nucleotide variant.
Coding change: c.559C>T on transcript NM_006121.4 (MANE Select); coding-DNA position 559, C replaced by T.
Protein change: p.Leu187Phe; replaces leucine 187 with phenylalanine.
Molecular consequence: missense variant.
Genome position (GRCh38, 1-based): chr12:52,679,790, G>A on the plus strand (C>T on the coding strand, the complement: KRT1 is on the minus strand). VCF-style: chr12-52679790-G-A. GRCh37 (hg19) VCF-style: chr12-53073574-G-A.
Other names: short protein forms L187F.
Identifiers: ClinVar variation 66648 (VCV000066648.49), dbSNP rs59151464, ClinGen allele CA217454.